The following is an entry in ClinVar:

NM_005689.4(ABCB6):c.4G>A (p.Val2Met)

Gene: ABCB6 (ATP binding cassette subfamily B member 6 (LAN blood group); minus strand). Cytogenetic location: 2q35.
Variant type: single nucleotide variant.
Coding change: c.4G>A on transcript NM_005689.4 (MANE Select); coding-DNA position 4, G replaced by A.
Protein change: p.Val2Met; replaces valine 2 with methionine.
Molecular consequence: missense variant.
Genome position (GRCh38, 1-based): chr2:219,218,670, C>T on the plus strand (G>A on the coding strand, the complement: ABCB6 is on the minus strand). VCF-style: chr2-219218670-C-T. GRCh37 (hg19) VCF-style: chr2-220083392-C-T.
Other names: p.Val2Met; c.4G>A, p.Val2Met (NM_001349828.2); short protein forms V2M.
Identifiers: ClinVar variation 4540808 (VCV004540808.1).

ClinVar aggregate classification (germline): Uncertain significance (1 of 4 stars; one submission).

gnomAD v4.1: 33 of 1,554,534 alleles (0.0021%); highest among the groups gnomAD compares: Middle Eastern, 0.037%; no homozygotes.

Submission:

Mayo Clinic Laboratories, Mayo Clinic
Classification: Uncertain significance. Last evaluated: 2025-03-12. Review status: criteria provided, single submitter. Criteria: ACMG Guidelines, 2015. Collection method: clinical testing. Allele origin: germline. Observed: 1 variant allele.
Comment: BP4, PM2_supporting